The following is an entry in ClinVar:

NM_001128148.3(TFRC):c.2012T>C (p.Met671Thr)

Gene: TFRC (transferrin receptor; minus strand). Cytogenetic location: 3q29.
Variant type: single nucleotide variant.
Coding change: c.2012T>C on transcript NM_001128148.3 (MANE Select); coding-DNA position 2012, T replaced by C.
Protein change: p.Met671Thr; replaces methionine 671 with threonine.
Molecular consequence: missense variant.
Genome position (GRCh38, 1-based): chr3:196,053,446, A>G on the plus strand (T>C on the coding strand, the complement: TFRC is on the minus strand). VCF-style: chr3-196053446-A-G. GRCh37 (hg19) VCF-style: chr3-195780317-A-G.
Other names: c.1769T>C, p.Met590Thr (NM_001313965.2); c.1166T>C, p.Met389Thr (NM_001313966.2); c.2012T>C, p.Met671Thr (NM_003234.4); short protein forms M590T, M389T, M671T.
Identifiers: ClinVar variation 4774500 (VCV004774500.1).

ClinVar aggregate classification (germline): Uncertain significance (1 of 4 stars; one submission).

gnomAD v4.1: 3 of 1,614,072 alleles (0.00019%); highest among the groups gnomAD compares: African/African-American, 0.0027%; no homozygotes.

Submission:

Labcorp Genetics (formerly Invitae), Labcorp
Classification: Uncertain significance. Last evaluated: 2025-09-05. Review status: criteria provided, single submitter. Criteria: Invitae Variant Classification Sherloc (09022015). Collection method: clinical testing. Allele origin: germline.
Comment: This sequence change replaces methionine, which is neutral and non-polar, with threonine, which is neutral and polar, at codon 671 of the TFRC protein (p.Met671Thr). This variant is not present in population databases (gnomAD no frequency). This variant has not been reported in the literature in individuals affected with TFRC-related conditions. Invitae Evidence Modeling of protein sequence and biophysical properties (such as structural, functional, and spatial information, amino acid conservation, physicochemical variation, residue mobility, and thermodynamic stability) indicates that this missense variant is not expected to disrupt TFRC protein function with a negative predictive value of 80%. In summary, the available evidence is currently insufficient to determine the role of this variant in disease. Therefore, it has been classified as a Variant of Uncertain Significance.